The following is an entry in ClinVar:

ClinVar aggregate classification (germline): Conflicting classifications of pathogenicity. Review status: criteria provided, conflicting classifications (1 of 4 stars). 6 submissions from 6 submitters: Uncertain significance (1); Likely benign (3). 2 of the submissions do not count toward it. Last evaluated 2026-04-01.

Conditions:
MC2R-related disorder. Also called: MC2R-related condition.
Glucocorticoid Deficiency. Identifiers: MedGen C1955741.
Glucocorticoid deficiency 1 (GCCD1). Also called: Glucocorticoid deficiency, due to ACTH unresponsiveness; Adrenal unresponsiveness to acth; FAMILIAL GLUCOCORTICOID DEFICIENCY 1. Identifiers: Orphanet 361, MedGen C4049650, MONDO:0024536, OMIM 202200.

Allele frequency attached by ClinVar (database versions not stated): 1000 Genomes Project 30x 0.00094; 1000 Genomes Project 0.00120; TOPMed 0.00279; ESP Exome Variant Server 0.00384.
gnomAD v4.1: 5,949 of 1,613,930 alleles (0.37%); highest among the groups gnomAD compares: Non-Finnish European, 0.43%; 17 homozygotes.

Submissions (6):

CeGaT Center for Human Genetics Tuebingen
Classification: Likely benign. Last evaluated: 2026-04-01. Review status: criteria provided, single submitter. Criteria: CeGaT Center For Human Genetics Tuebingen Variant Classification Criteria Version 2. Collection method: clinical testing. Allele origin: germline. Affected: yes. Observed: 1 variant allele.
Comment: MC2R: BS2

GeneDx
Classification: Uncertain significance. Last evaluated: 2024-08-23. Review status: criteria provided, single submitter. Criteria: GeneDx Variant Classification Process June 2021. Collection method: clinical testing. Allele origin: germline. Affected: yes.
Comment: Reported in the published literature in one patient familial glucocorticoid deficiency; however, detailed clinical information was not provided (PMID: 26300845); In silico analysis supports that this missense variant has a deleterious effect on protein structure/function; This variant is associated with the following publications: (PMID: 1496002, 18059087, 16616374, 12213892, 26300845)

Labcorp Genetics (formerly Invitae), Labcorp
Classification: Likely benign. Last evaluated: 2019-12-31. Review status: criteria provided, single submitter. Criteria: Invitae Variant Classification Sherloc (09022015). Collection method: clinical testing. Allele origin: germline.

Illumina Laboratory Services, Illumina
Classification: Likely benign for Glucocorticoid deficiency 1. Last evaluated: 2017-04-27. Review status: criteria provided, single submitter. Criteria: ICSL Variant Classification Criteria 13 December 2019. Collection method: clinical testing. Allele origin: germline.
Comment: This variant was observed as part of a predisposition screen in an ostensibly healthy population. A literature search was performed for the gene, cDNA change, and amino acid change (where applicable). No publications were found based on this search. Allele frequency data from public databases allowed determination this variant is unlikely to cause disease. Therefore, this variant is classified as likely benign.

PreventionGenetics, part of Exact Sciences
Classification: Benign for MC2R-related condition. Last evaluated: 2020-06-17. Review status: no assertion criteria provided. Collection method: clinical testing. Allele origin: germline. Not counted in ClinVar's aggregate classification.
Comment: This variant is classified as benign based on ACMG/AMP sequence variant interpretation guidelines (Richards et al. 2015 PMID: 25741868, with internal and published modifications).

Clinical Molecular Genetics Laboratory, Johns Hopkins All Children's Hospital
Classification: Uncertain significance for Glucocorticoid Deficiency. Last evaluated: 2017-01-06. Review status: no assertion criteria provided. Collection method: clinical testing. Allele origin: germline. Affected: yes. Not counted in ClinVar's aggregate classification.

NM_000529.2(MC2R):c.80C>G (p.Pro27Arg)

Gene: MC2R (melanocortin 2 receptor; minus strand). Cytogenetic location: 18p11.21.
Variant type: single nucleotide variant.
Coding change: c.80C>G on transcript NM_000529.2 (MANE Select); coding-DNA position 80, C replaced by G.
Protein change: p.Pro27Arg; replaces proline 27 with arginine.
Molecular consequence: missense variant.
Genome position (GRCh38, 1-based): chr18:13,885,439, G>C on the plus strand (C>G on the coding strand, the complement: MC2R is on the minus strand). VCF-style: chr18-13885439-G-C. GRCh37 (hg19) VCF-style: chr18-13885438-G-C.
Other names: c.80C>G, p.Pro27Arg (NM_001291911.1); short protein forms P27R.
Identifiers: ClinVar variation 492864 (VCV000492864.14), dbSNP rs28926178, ClinGen allele CA8902545.